The following is an entry in ClinVar:

NM_004628.5(XPC):c.2010T>A (p.Cys670Ter)

Gene: XPC (XPC complex subunit, DNA damage recognition and repair factor; minus strand). Cytogenetic location: 3p25.1.
Variant type: single nucleotide variant.
Coding change: c.2010T>A on transcript NM_004628.5 (MANE Select); coding-DNA position 2010, T replaced by A.
Protein change: p.Cys670Ter; replaces cysteine 670 with a stop codon.
Molecular consequence: nonsense. On other transcripts: intron variant (1).
Genome position (GRCh38, 1-based): chr3:14,156,358, A>T on the plus strand (T>A on the coding strand, the complement: XPC is on the minus strand). VCF-style: chr3-14156358-A-T. GRCh37 (hg19) VCF-style: chr3-14197858-A-T.
Other names: c.1431T>A, p.Cys477Ter (NM_001354726.2); c.1992T>A, p.Cys664Ter (NM_001354729.2); c.1764T>A, p.Cys588Ter (NM_001354730.2); c.1872+1653T>A (NM_001354727.2); short protein forms C477*, C588*, C670*, C664*.
Identifiers: ClinVar variation 1454617 (VCV001454617.8), dbSNP rs781023624, ClinGen allele CA351538542.

ClinVar aggregate classification (germline): Pathogenic/Likely pathogenic. Review status: criteria provided, multiple submitters, no conflicts (2 of 4 stars). 3 submissions from 3 submitters: Pathogenic (1); Likely pathogenic (2). Last evaluated 2026-01-19.

Conditions:
XPC-related disorder. Also called: XPC-related condition.
Xeroderma pigmentosum, group C (XPC). Also called: XERODERMA PIGMENTOSUM III; XP, GROUP C; Xeroderma pigmentosum, complementation group C; XPC-Related Xeroderma Pigmentosum. Identifiers: Orphanet 910, MedGen C2752147, MONDO:0010211, OMIM 278720.

Submissions (3):

Labcorp Genetics (formerly Invitae), Labcorp
Classification: Pathogenic. Last evaluated: 2026-01-19. Review status: criteria provided, single submitter. Criteria: Invitae Variant Classification Sherloc (09022015). Collection method: clinical testing. Allele origin: germline.
Comment: This sequence change creates a premature translational stop signal (p.Cys670*) in the XPC gene. It is expected to result in an absent or disrupted protein product. Loss-of-function variants in XPC are known to be pathogenic (PMID: 23173980, 25256075). This variant is not present in population databases (gnomAD no frequency). This variant has not been reported in the literature in individuals affected with XPC-related conditions. ClinVar contains an entry for this variant (Variation ID: 1454617). For these reasons, this variant has been classified as Pathogenic.

Baylor Genetics
Classification: Likely pathogenic for Xeroderma pigmentosum, group C. Last evaluated: 2023-05-01. Review status: criteria provided, single submitter. Criteria: ACMG Guidelines, 2015. Collection method: clinical testing. Allele origin: unknown.

Blueprint Genetics
Classification: Likely pathogenic for XPC-related disorders. Last evaluated: 2022-09-28. Review status: criteria provided, single submitter. Criteria: ACMG Guidelines, 2015. Collection method: clinical testing. Allele origin: germline. Affected: yes. Observed: 1 variant allele.

Literature cited by the submitters: PubMed 23173980 (cited by Labcorp Genetics (formerly Invitae), Labcorp); PubMed 25256075 (cited by Labcorp Genetics (formerly Invitae), Labcorp).